The following is an entry in ClinVar:

NM_001282116.2(RFX3):c.1473C>A (p.Ala491=)

Gene: RFX3 (regulatory factor X3; minus strand). Cytogenetic location: 9p24.2.
Variant type: single nucleotide variant.
Coding change: c.1473C>A on transcript NM_001282116.2 (MANE Select); coding-DNA position 1473, C replaced by A.
Protein change: p.Ala491=; no amino-acid change (alanine 491 retained).
Molecular consequence: synonymous variant.
Genome position (GRCh38, 1-based): chr9:3,263,067, G>T on the plus strand (C>A on the coding strand, the complement: RFX3 is on the minus strand). VCF-style: chr9-3263067-G-T. GRCh37 (hg19) VCF-style: chr9-3263067-G-T.
Other names: c.1473C>A, p.Ala491= (NM_001377999.1, NM_002919.4, NM_134428.3).
Identifiers: ClinVar variation 4874563 (VCV004874563.2).
Genomic context (GRCh38, chr9:3,263,067, plus strand): 5'-TGCACGAGCTGCCTGGGCCAGGTGATTAAGCGACGTGTATCTTCGCAGAGTCTGGGCAAA[G>T]GCACTTACAGCGGCAACCTGTAACGCAATCCAATTAAGTTGGGATTCTGTTTCCTCCAGT-3'
Protein context (NP_001269045.1, residues 481-501): MIQTKVAAVS[Ala491=]FAQTLRRYTS

ClinVar aggregate classification (germline): Uncertain significance (1 of 4 stars; one submission).

Submission:

CeGaT Center for Human Genetics Tuebingen
Classification: Uncertain significance. Last evaluated: 2026-06-01. Review status: criteria provided, single submitter. Criteria: CeGaT Center For Human Genetics Tuebingen Variant Classification Criteria Version 2. Collection method: clinical testing. Allele origin: germline. Affected: yes. Observed: 1 variant allele.
Comment: RFX3: PM2:Supporting, BP4